The following is an entry in ClinVar:

NM_203447.4(DOCK8):c.4528C>G (p.Gln1510Glu)

Gene: DOCK8 (dedicator of cytokinesis 8; plus strand). Cytogenetic location: 9p24.3.
Variant type: single nucleotide variant.
Coding change: c.4528C>G on transcript NM_203447.4 (MANE Select); coding-DNA position 4528, C replaced by G.
Protein change: p.Gln1510Glu; replaces glutamine 1510 with glutamic acid.
Molecular consequence: missense variant.
Genome position (GRCh38, 1-based): chr9:429,756, C>G. VCF-style: chr9-429756-C-G. GRCh37 (hg19) VCF-style: chr9-429756-C-G.
Other names: c.4228C>G, p.Gln1410Glu (NM_001190458.2); c.4324C>G, p.Gln1442Glu (NM_001193536.2); short protein forms Q1410E, Q1442E, Q1510E.
Identifiers: ClinVar variation 975225 (VCV000975225.7), dbSNP rs762051692, ClinGen allele CA372766345.

ClinVar aggregate classification (germline): Uncertain significance. Review status: criteria provided, single submitter (1 of 4 stars). 2 submissions from 2 submitters: Uncertain significance (1). 1 of the submissions does not count toward it. Last evaluated 2025-02-10.

Conditions:
Intellectual disability. Also called: intellectual disabilities; Intellectual developmental disorder; Intellectual functioning disability. Identifiers: MedGen C3714756, MeSH D008607, MONDO:0001071, HP:0001249.
Combined immunodeficiency due to DOCK8 deficiency (HIES2). Also called: Hyper-IgE recurrent infection syndrome, autosomal recessive; HIES autosomal recessive; DOCK8 Deficiency; HYPER-IgE RECURRENT INFECTION SYNDROME 2, AUTOSOMAL RECESSIVE; HYPER-IgE SYNDROME 2, AUTOSOMAL RECESSIVE, WITH RECURRENT INFECTIONS. Identifiers: Orphanet 217390, MedGen C4722305, MONDO:0009478, OMIM 243700.

Allele frequency attached by ClinVar (database versions not stated): gnomAD exomes below 0.00001.
gnomAD v4.1: 2 of 1,614,148 alleles (0.00012%); highest among the groups gnomAD compares: Non-Finnish European, 0.000085%; no homozygotes.

Submissions (2):

Labcorp Genetics (formerly Invitae), Labcorp
Classification: Uncertain significance for Combined immunodeficiency due to DOCK8 deficiency. Last evaluated: 2025-02-10. Review status: criteria provided, single submitter. Criteria: Invitae Variant Classification Sherloc (09022015). Collection method: clinical testing. Allele origin: germline.
Comment: This sequence change replaces glutamine, which is neutral and polar, with glutamic acid, which is acidic and polar, at codon 1510 of the DOCK8 protein (p.Gln1510Glu). This variant is not present in population databases (gnomAD no frequency). This variant has not been reported in the literature in individuals affected with DOCK8-related conditions. ClinVar contains an entry for this variant (Variation ID: 975225). Invitae Evidence Modeling of protein sequence and biophysical properties (such as structural, functional, and spatial information, amino acid conservation, physicochemical variation, residue mobility, and thermodynamic stability) indicates that this missense variant is not expected to disrupt DOCK8 protein function with a negative predictive value of 80%. In summary, the available evidence is currently insufficient to determine the role of this variant in disease. Therefore, it has been classified as a Variant of Uncertain Significance.

Centre de Biologie Pathologie Génétique, Centre Hospitalier Universitaire de Lille
Classification: Likely benign for Intellectual disability. Last evaluated: 2019-01-01. Review status: no assertion criteria provided. Collection method: clinical testing. Allele origin: inherited. Affected: yes. Not counted in ClinVar's aggregate classification.